The following is an entry in ClinVar:

NM_025137.4(SPG11):c.6193T>C (p.Ser2065Pro)

Gene: SPG11 (SPG11 vesicle trafficking associated, spatacsin; minus strand). Cytogenetic location: 15q21.1.
Variant type: single nucleotide variant.
Coding change: c.6193T>C on transcript NM_025137.4 (MANE Select); coding-DNA position 6193, T replaced by C.
Protein change: p.Ser2065Pro; replaces serine 2065 with proline.
Molecular consequence: missense variant. On other transcripts: intron variant (1).
Genome position (GRCh38, 1-based): chr15:44,573,559, A>G on the plus strand (T>C on the coding strand, the complement: SPG11 is on the minus strand). VCF-style: chr15-44573559-A-G. GRCh37 (hg19) VCF-style: chr15-44865757-A-G.
Other names: p.Ser2065Pro; c.5867-739T>C (NM_001160227.2); c.6193T>C (NM_025137.3); short protein forms S2065P.
Identifiers: ClinVar variation 1149373 (VCV001149373.14), dbSNP rs568406743, ClinGen allele CA7534244.
Genomic context (GRCh38, chr15:44,573,559, plus strand): 5'-CTAGAGAATGCTGTCAGAGAGGTTGGGAATCCCCGGGGGGTAGGGCACCTGTTCCCTGTG[A>G]TGAAGTAAGCAGCTCCCGTGTCACCTCTTCTGCCACGAGTTCAGCCACAGTATCTGGCTT-3'
Protein context (NP_079413.3, residues 2055-2075): EEVTRELLTS[Ser2065Pro]QGTGHKQMFN

ClinVar aggregate classification (germline): Conflicting classifications of pathogenicity. Review status: criteria provided, conflicting classifications (1 of 4 stars). 6 submissions from 6 submitters: Uncertain significance (2); Likely benign (3). 1 of the submissions does not count toward it. Last evaluated 2026-01-27.

Conditions:
SPG11-related disorder. Also called: SPG11-related condition.
Inborn genetic diseases. Identifiers: MedGen C0950123, MeSH D030342.
Hereditary spastic paraplegia 11. Also called: Spastic paraplegia, mental retardation and thin corpus callosum; Spastic Paraplegia 11; Nakamura Osame syndrome; Autosomal recessive hereditary spastic paraplegia, mental impairment, and thin corpus callosum; SPASTIC PARAPLEGIA, AUTOSOMAL RECESSIVE, COMPLICATED, WITH THIN CORPUS CALLOSUM; SPASTIC PARAPLEGIA, AUTOSOMAL RECESSIVE, WITH MENTAL IMPAIRMENT AND THIN CORPUS CALLOSUM. Identifiers: Orphanet 2822, MedGen C1858479, MONDO:0011445, OMIM 604360.

Allele frequency attached by ClinVar (database versions not stated): gnomAD exomes 0.00006 and 0.00020; gnomAD 0.00007 and 0.00011; TOPMed 0.00014; ExAC 0.00026; 1000 Genomes Project 30x 0.00031; 1000 Genomes Project 0.00040.
gnomAD v4.1: 106 of 1,614,146 alleles (0.0066%); highest among the groups gnomAD compares: East Asian, 0.14%; no homozygotes.

Submissions (6):

Labcorp Genetics (formerly Invitae), Labcorp
Classification: Likely benign for Hereditary spastic paraplegia 11. Last evaluated: 2026-01-27. Review status: criteria provided, single submitter. Criteria: Invitae Variant Classification Sherloc (09022015). Collection method: clinical testing. Allele origin: germline.

Mayo Clinic Laboratories, Mayo Clinic
Classification: Likely benign. Last evaluated: 2025-12-07. Review status: criteria provided, single submitter. Criteria: ACMG Guidelines, 2015. Collection method: clinical testing. Allele origin: germline. Observed: 1 variant allele.
Comment: BS1, BP4_moderate

Women's Health and Genetics/Laboratory Corporation of America, LabCorp
Classification: Likely benign. Last evaluated: 2025-11-26. Review status: criteria provided, single submitter. Criteria: LabCorp Variant Classification Summary - May 2015. Collection method: clinical testing. Allele origin: germline.
Comment: Variant summary: SPG11 c.6193T>C (p.Ser2065Pro) results in a non-conservative amino acid change in the encoded protein sequence. Algorithms developed to predict the effect of missense changes on protein structure and function are either unavailable or do not agree on the potential impact of this missense change. The variant allele was found at a frequency of 0.0002 in 251406 control chromosomes, predominantly at a frequency of 0.0021 within the East Asian subpopulation in the gnomAD database. The observed variant frequency within East Asian control individuals in the gnomAD database exceeds the estimated maximal expected allele frequency for disease-causing variants in SPG11. c.6193T>C has been observed in at a heterozygous state in an individua affected with Amyotrophic lateral sclerosis without strong evidence for causality (Dong_2023). These report(s) do not provide unequivocal conclusions about association of the variant with Amyotrophic lateral sclerosis type 5 and other SPG11 related diseases. To our knowledge, no experimental evidence demonstrating an impact on protein function has been reported. The following publication has been ascertained in the context of this evaluation (PMID: 37197644). ClinVar contains an entry for this variant (Variation ID: 1149373). Based on the evidence outlined above, the variant was classified as likely benign.

Blueprint Genetics
Classification: Uncertain significance. Last evaluated: 2023-11-29. Review status: criteria provided, single submitter. Criteria: ACMG Guidelines, 2015. Collection method: clinical testing. Allele origin: germline.

Ambry Genetics
Classification: Uncertain significance for Inborn genetic diseases. Last evaluated: 2022-07-12. Review status: criteria provided, single submitter. Criteria: Ambry Variant Classification Scheme 2023. Collection method: clinical testing. Allele origin: germline.

PreventionGenetics, part of Exact Sciences
Classification: Likely benign for SPG11-related condition. Last evaluated: 2024-09-03. Review status: no assertion criteria provided. Collection method: clinical testing. Allele origin: germline. Not counted in ClinVar's aggregate classification.
Comment: This variant is classified as likely benign based on ACMG/AMP sequence variant interpretation guidelines (Richards et al. 2015 PMID: 25741868, with internal and published modifications).

Literature cited by the submitters: PubMed 37197644 (cited by Women's Health and Genetics/Laboratory Corporation of America, LabCorp).